The following is an entry in ClinVar:

ClinVar aggregate classification (germline): Conflicting classifications of pathogenicity. Review status: criteria provided, conflicting classifications (1 of 4 stars). 3 submissions from 3 submitters: Uncertain significance (2); Likely benign (1). Last evaluated 2023-05-23.

Conditions:
Wolfram syndrome 1 (WFS1). Identifiers: Orphanet 3463, MedGen C4551693, MONDO:0009101, OMIM 222300.
Inborn genetic diseases. Identifiers: MedGen C0950123, MeSH D030342.

Allele frequency attached by ClinVar (database versions not stated): TOPMed 0.00001; gnomAD 0.00002 and 0.00001; ExAC 0.00001.
gnomAD v4.1: 40 of 1,611,952 alleles (0.0025%); highest among the groups gnomAD compares: Non-Finnish European, 0.0031%; no homozygotes.

Submissions (3):

Ambry Genetics
Classification: Uncertain significance for Inborn genetic diseases. Last evaluated: 2023-05-23. Review status: criteria provided, single submitter. Criteria: Ambry Variant Classification Scheme 2023. Collection method: clinical testing. Allele origin: germline.

Labcorp Genetics (formerly Invitae), Labcorp
Classification: Uncertain significance. Last evaluated: 2021-12-15. Review status: criteria provided, single submitter. Criteria: Invitae Variant Classification Sherloc (09022015). Collection method: clinical testing. Allele origin: germline.
Comment: This sequence change replaces cysteine, which is neutral and slightly polar, with tryptophan, which is neutral and slightly polar, at codon 541 of the WFS1 protein (p.Cys541Trp). This variant is present in population databases (rs745712429, gnomAD 0.003%). This variant has not been reported in the literature in individuals affected with WFS1-related conditions. ClinVar contains an entry for this variant (Variation ID: 1046024). Advanced modeling of protein sequence and biophysical properties (such as structural, functional, and spatial information, amino acid conservation, physicochemical variation, residue mobility, and thermodynamic stability) performed at Invitae indicates that this missense variant is not expected to disrupt WFS1 protein function. In summary, the available evidence is currently insufficient to determine the role of this variant in disease. Therefore, it has been classified as a Variant of Uncertain Significance.

Clinical Genomics, Uppaluri K&H Personalized Medicine Clinic
Classification: Likely benign for Wolfram syndrome 1. Review status: criteria provided, single submitter. Criteria: K & H Uppaluri Personalized Medicine Clinic Variant Classification & Assertion Criteria_Updated V.1. Collection method: research. Allele origin: unknown. Inheritance: Autosomal recessive inheritance.
Comment: Potent mutations in WFS1 gene are associated with Wolfram's syndrome, an autosomal recessive condition, which cause diabetes mellitus, diabetes insipidus, deafness and optic atrophy.However no sufficient evidence is found to ascertain the role of this particular variant rs745712429 in Wolfram's syndrome yet.

Literature cited by the submitters: PubMed 20738327 (cited by Clinical Genomics, Uppaluri K&H Personalized Medicine Clinic); PubMed 33879153 (cited by Clinical Genomics, Uppaluri K&H Personalized Medicine Clinic); PubMed 12955714 (cited by Clinical Genomics, Uppaluri K&H Personalized Medicine Clinic); PubMed 18060660 (cited by Clinical Genomics, Uppaluri K&H Personalized Medicine Clinic); PubMed 20301750 (cited by Clinical Genomics, Uppaluri K&H Personalized Medicine Clinic); PubMed 17603484 (cited by Clinical Genomics, Uppaluri K&H Personalized Medicine Clinic).

NM_006005.3(WFS1):c.1623T>G (p.Cys541Trp)

Gene: WFS1 (wolframin ER transmembrane glycoprotein; plus strand). Cytogenetic location: 4p16.1.
Variant type: single nucleotide variant.
Coding change: c.1623T>G on transcript NM_006005.3 (MANE Select); coding-DNA position 1623, T replaced by G.
Protein change: p.Cys541Trp; replaces cysteine 541 with tryptophan.
Molecular consequence: missense variant.
Genome position (GRCh38, 1-based): chr4:6,301,418, T>G. VCF-style: chr4-6301418-T-G. GRCh37 (hg19) VCF-style: chr4-6303145-T-G.
Other names: c.1623T>G, p.Cys541Trp (NM_001145853.1); short protein forms C541W.
Identifiers: ClinVar variation 1046024 (VCV001046024.9), dbSNP rs745712429, ClinGen allele CA2839422.